The following is an entry in ClinVar:

NM_198253.3(TERT):c.1769+6G>A

Gene: TERT (telomerase reverse transcriptase; minus strand). Cytogenetic location: 5p15.33.
Variant type: single nucleotide variant.
Coding change: c.1769+6G>A on transcript NM_198253.3 (MANE Select); 6 bases into the intron after coding-DNA position 1769, G replaced by A.
Molecular consequence: intron variant.
Genome position (GRCh38, 1-based): chr5:1,282,423, C>T on the plus strand (G>A on the coding strand, the complement: TERT is on the minus strand). VCF-style: chr5-1282423-C-T. GRCh37 (hg19) VCF-style: chr5-1282538-C-T.
Other names: c.1769+6G>A (NM_001193376.3).
Identifiers: ClinVar variation 1912743 (VCV001912743.5), dbSNP rs2478304422, ClinGen allele CA2580072210.

ClinVar aggregate classification (germline): Uncertain significance (1 of 4 stars; one submission).

Conditions:
Idiopathic Pulmonary Fibrosis. Also called: Idiopathic fibrosing alveolitis, chronic form; idiopathic fibrosing alveolitis. Identifiers: Orphanet 2032, MedGen C1800706, MeSH D054990, MONDO:0800504.
Dyskeratosis congenita, autosomal dominant 2. Identifiers: MedGen C3151443, MONDO:0013521, OMIM 613989.

Allele frequency attached by ClinVar (database versions not stated): gnomAD exomes below 0.00001.
gnomAD v4.1: 1 of 1,613,760 alleles (0.000062%); highest among the groups gnomAD compares: Non-Finnish European, 0.000085%; no homozygotes.

Submission:

Labcorp Genetics (formerly Invitae), Labcorp
Classification: Uncertain significance for Dyskeratosis congenita, autosomal dominant 2; Idiopathic Pulmonary Fibrosis. Last evaluated: 2023-06-09. Review status: criteria provided, single submitter. Criteria: Invitae Variant Classification Sherloc (09022015). Collection method: clinical testing. Allele origin: germline.
Comment: In summary, the available evidence is currently insufficient to determine the role of this variant in disease. Therefore, it has been classified as a Variant of Uncertain Significance. Variants that disrupt the consensus splice site are a relatively common cause of aberrant splicing (PMID: 17576681, 9536098). Algorithms developed to predict the effect of sequence changes on RNA splicing suggest that this variant is not likely to affect RNA splicing. ClinVar contains an entry for this variant (Variation ID: 1912743). This variant has not been reported in the literature in individuals affected with TERT-related conditions. This variant is not present in population databases (gnomAD no frequency). This sequence change falls in intron 3 of the TERT gene. It does not directly change the encoded amino acid sequence of the TERT protein. It affects a nucleotide within the consensus splice site.

Literature cited by the submitters: PubMed 17576681; PubMed 9536098.